The following is an entry in ClinVar:

ClinVar aggregate classification (germline): Uncertain significance (1 of 4 stars; one submission).

Submission:

Ambry Genetics
Classification: Uncertain significance. Last evaluated: 2025-02-16. Review status: criteria provided, single submitter. Criteria: Ambry Variant Classification Scheme 2023. Collection method: clinical testing. Allele origin: germline.
Comment: The p.T606A variant (also known as c.1816A>G), located in coding exon 1 of the MLH3 gene, results from an A to G substitution at nucleotide position 1816. The threonine at codon 606 is replaced by alanine, an amino acid with similar properties. This amino acid position is conserved. In addition, this alteration is predicted to be tolerated by in silico analysis. Since supporting evidence is limited at this time, the clinical significance of this alteration remains unclear.

NM_001040108.2(MLH3):c.1816A>G (p.Thr606Ala)

Gene: MLH3 (mutL homolog 3; minus strand). Cytogenetic location: 14q24.3.
Variant type: single nucleotide variant.
Coding change: c.1816A>G on transcript NM_001040108.2 (MANE Select); coding-DNA position 1816, A replaced by G.
Protein change: p.Thr606Ala; replaces threonine 606 with alanine.
Molecular consequence: missense variant.
Genome position (GRCh38, 1-based): chr14:75,047,840, T>C on the plus strand (A>G on the coding strand, the complement: MLH3 is on the minus strand). VCF-style: chr14-75047840-T-C. GRCh37 (hg19) VCF-style: chr14-75514543-T-C.
Other names: c.1816A>G, p.Thr606Ala (NM_014381.3); short protein forms T606A.
Identifiers: ClinVar variation 1780671 (VCV001780671.3), dbSNP rs28756985, ClinGen allele CA390444171.